The following is an entry in ClinVar:

NM_000051.4(ATM):c.497-8_497-4del

Gene: ATM (ATM serine/threonine kinase; plus strand). Cytogenetic location: 11q22.3.
Variant type: Deletion.
Coding change: c.497-8_497-4del on transcript NM_000051.4 (MANE Select); 8 bases into the intron before coding-DNA position 497 through 4 bases into the intron before coding-DNA position 497, 5 bases deleted (TTTTT; older notation c.497-8_497-4delTTTTT).
Molecular consequence: intron variant.
Genome position (GRCh38, 1-based): chr11:108,243,945-108,243,949, TTTTT deleted; deleting any 5 consecutive bases within chr11:108,243,935-108,243,949 gives the same sequence; the c. name uses the placement nearest the transcript's 3' end. VCF-style (leftmost placement, unchanged base first): chr11-108243934-ATTTTT-A. GRCh37 (hg19) VCF-style: chr11-108114661-ATTTTT-A.
Other names: c.497-8_497-4del (NM_001351834.2).
Identifiers: ClinVar variation 3964051 (VCV003964051.1).

ClinVar aggregate classification (germline): Uncertain significance (1 of 4 stars; one submission).

Conditions:
Hereditary cancer-predisposing syndrome. Also called: Tumor predisposition; Hereditary neoplastic syndrome; Hereditary Cancer Syndrome; Neoplastic Syndromes, Hereditary. Identifiers: Orphanet 140162, MedGen C0027672, MeSH D009386, MONDO:0015356.

Submission:

Ambry Genetics
Classification: Uncertain significance for Hereditary cancer-predisposing syndrome. Last evaluated: 2025-05-07. Review status: criteria provided, single submitter. Criteria: Ambry Variant Classification Scheme 2023. Collection method: clinical testing. Allele origin: germline.
Comment: The c.497-8_497-4delTTTTT intronic variant, located in intron 4 of the ATM gene, results from a deletion of 5 nucleotides within intron 4 of the ATM gene. This nucleotide region is well conserved in available vertebrate species. In silico splice site analysis predicts that this alteration will weaken the native splice acceptor site; however, direct evidence is insufficient at this time (Ambry internal data). Based on the available evidence, the clinical significance of this variant remains unclear.